The following is an entry in ClinVar:

NM_182641.4(BPTF):c.556G>A (p.Ala186Thr)

Genes: BPTF (bromodomain PHD finger transcription factor; plus strand), LOC130061496 (ATAC-STARR-seq lymphoblastoid active region 12632; plus strand). Cytogenetic location: 17q24.2.
Variant type: single nucleotide variant.
Coding change: c.556G>A on transcript NM_182641.4 (MANE Select); coding-DNA position 556, G replaced by A.
Protein change: p.Ala186Thr; replaces alanine 186 with threonine.
Molecular consequence: missense variant.
Genome position (GRCh38, 1-based): chr17:67,826,280, G>A. VCF-style: chr17-67826280-G-A. GRCh37 (hg19) VCF-style: chr17-65822396-G-A.
Other names: c.556G>A, p.Ala186Thr (NM_004459.7); short protein forms A186T.
Identifiers: ClinVar variation 1977301 (VCV001977301.5), dbSNP rs747831779, ClinGen allele CA8725014.

ClinVar aggregate classification (germline): Uncertain significance (1 of 4 stars; one submission).

Allele frequency attached by ClinVar (database versions not stated): gnomAD 0.00001; ExAC 0.00002; TOPMed 0.00002.
gnomAD v4.1: 11 of 1,612,892 alleles (0.00068%); highest among the groups gnomAD compares: Admixed American, 0.012%; no homozygotes.

Submission:

Labcorp Genetics (formerly Invitae), Labcorp
Classification: Uncertain significance. Last evaluated: 2022-08-19. Review status: criteria provided, single submitter. Criteria: Invitae Variant Classification Sherloc (09022015). Collection method: clinical testing. Allele origin: germline.
Comment: Algorithms developed to predict the effect of missense changes on protein structure and function are either unavailable or do not agree on the potential impact of this missense change (SIFT: "Tolerated"; PolyPhen-2: "Probably Damaging"; Align-GVGD: "Class C0"). This variant has not been reported in the literature in individuals affected with BPTF-related conditions. This variant is present in population databases (rs747831779, gnomAD 0.02%). This sequence change replaces alanine, which is neutral and non-polar, with threonine, which is neutral and polar, at codon 186 of the BPTF protein (p.Ala186Thr). In summary, the available evidence is currently insufficient to determine the role of this variant in disease. Therefore, it has been classified as a Variant of Uncertain Significance.